The following is an entry in ClinVar:

ClinVar aggregate classification (germline): Uncertain significance (1 of 4 stars; one submission).

Submission:

GeneDx
Classification: Uncertain significance. Last evaluated: 2023-11-04. Review status: criteria provided, single submitter. Criteria: GeneDx Variant Classification Process June 2021. Collection method: clinical testing. Allele origin: germline. Affected: yes.
Comment: Not observed at significant frequency in large population cohorts (gnomAD); In silico analysis supports that this missense variant has a deleterious effect on protein structure/function; Has not been previously published as pathogenic or benign to our knowledge

NM_198525.3(KIF7):c.878A>T (p.Gln293Leu)

Gene: KIF7 (kinesin family member 7; minus strand). Cytogenetic location: 15q26.1.
Variant type: single nucleotide variant.
Coding change: c.878A>T on transcript NM_198525.3 (MANE Select); coding-DNA position 878, A replaced by T.
Protein change: p.Gln293Leu; replaces glutamine 293 with leucine.
Molecular consequence: missense variant.
Genome position (GRCh38, 1-based): chr15:89,649,019, T>A on the plus strand (A>T on the coding strand, the complement: KIF7 is on the minus strand). VCF-style: chr15-89649019-T-A. GRCh37 (hg19) VCF-style: chr15-90192250-T-A.
Other names: short protein forms Q293L.
Identifiers: ClinVar variation 3363915 (VCV003363915.1).